The following is an entry in ClinVar:

ClinVar aggregate classification (germline): Uncertain significance. Review status: criteria provided, multiple submitters, no conflicts (2 of 4 stars). 3 submissions from 3 submitters: Uncertain significance (3). Last evaluated 2026-03-12.

Conditions:
Inborn genetic diseases. Identifiers: MedGen C0950123, MeSH D030342.
ADGRV1-related disorder. Also called: ADGRV1-related disorders; ADGRV1-related condition.

Allele frequency attached by ClinVar (database versions not stated): ExAC 0.00002; TOPMed 0.00002; gnomAD 0.00003 and 0.00004; gnomAD exomes 0.00003.
gnomAD v4.1: 42 of 1,613,806 alleles (0.0026%); highest among the groups gnomAD compares: Non-Finnish European, 0.0032%; no homozygotes.

Submissions (3):

PreventionGenetics, part of Exact Sciences
Classification: Uncertain significance for ADGRV1-related condition. Last evaluated: 2026-03-12. Review status: criteria provided, single submitter. Criteria: ACMG Guidelines, 2015. Collection method: clinical testing. Allele origin: germline.
Comment: The ADGRV1 c.3127G>A variant is predicted to result in the amino acid substitution p.Gly1043Arg. To our knowledge, this variant has not been reported in the literature. This variant is reported in 0.0065% of alleles in individuals of African descent in gnomAD. At this time, the clinical significance of this variant is uncertain due to the absence of conclusive functional and genetic evidence.

Ambry Genetics
Classification: Uncertain significance for Inborn genetic diseases. Last evaluated: 2023-08-04. Review status: criteria provided, single submitter. Criteria: Ambry Variant Classification Scheme 2023. Collection method: clinical testing. Allele origin: germline.

Labcorp Genetics (formerly Invitae), Labcorp
Classification: Uncertain significance. Last evaluated: 2022-10-24. Review status: criteria provided, single submitter. Criteria: Invitae Variant Classification Sherloc (09022015). Collection method: clinical testing. Allele origin: germline.
Comment: This sequence change replaces glycine, which is neutral and non-polar, with arginine, which is basic and polar, at codon 1043 of the ADGRV1 protein (p.Gly1043Arg). This variant is present in population databases (rs765930768, gnomAD 0.007%). This variant has not been reported in the literature in individuals affected with ADGRV1-related conditions. ClinVar contains an entry for this variant (Variation ID: 936042). Advanced modeling of protein sequence and biophysical properties (such as structural, functional, and spatial information, amino acid conservation, physicochemical variation, residue mobility, and thermodynamic stability) performed at Invitae indicates that this missense variant is not expected to disrupt ADGRV1 protein function. In summary, the available evidence is currently insufficient to determine the role of this variant in disease. Therefore, it has been classified as a Variant of Uncertain Significance.

NM_032119.4(ADGRV1):c.3127G>A (p.Gly1043Arg)

Gene: ADGRV1 (adhesion G protein-coupled receptor V1; plus strand). Cytogenetic location: 5q14.3.
Variant type: single nucleotide variant.
Coding change: c.3127G>A on transcript NM_032119.4 (MANE Select); coding-DNA position 3127, G replaced by A.
Protein change: p.Gly1043Arg; replaces glycine 1043 with arginine.
Molecular consequence: missense variant. On other transcripts: non-coding transcript variant (1).
Genome position (GRCh38, 1-based): chr5:90,647,602, G>A. VCF-style: chr5-90647602-G-A. GRCh37 (hg19) VCF-style: chr5-89943419-G-A.
Other names: short protein forms G1043R.
Identifiers: ClinVar variation 936042 (VCV000936042.7), dbSNP rs765930768, ClinGen allele CA3339107.